The following is an entry in ClinVar:

ClinVar aggregate classification (germline): Benign/Likely benign. Review status: criteria provided, multiple submitters, no conflicts (2 of 4 stars). 3 submissions from 3 submitters: Benign (1); Likely benign (2). Last evaluated 2026-01-26.

Conditions:
MHC class I deficiency. Identifiers: Orphanet 34592, MedGen C6024714, MONDO:0011476.

Allele frequency attached by ClinVar (database versions not stated): 1000 Genomes Project 0.00020; gnomAD 0.00010; gnomAD exomes 0.00115 and 0.00030; TOPMed 0.00046; ESP Exome Variant Server 0.00012; 1000 Genomes Project 30x 0.00016; ExAC 0.00128.
gnomAD v4.1: 450 of 1,612,104 alleles (0.028%); highest among the groups gnomAD compares: Admixed American, 0.52%; 2 homozygotes.

Submissions (3):

Labcorp Genetics (formerly Invitae), Labcorp
Classification: Benign for MHC class I deficiency 1. Last evaluated: 2026-01-26. Review status: criteria provided, single submitter. Criteria: Invitae Variant Classification Sherloc (09022015). Collection method: clinical testing. Allele origin: germline.

Women's Health and Genetics/Laboratory Corporation of America, LabCorp
Classification: Likely benign. Last evaluated: 2024-12-12. Review status: criteria provided, single submitter. Criteria: LabCorp Variant Classification Summary - May 2015. Collection method: clinical testing. Allele origin: germline.
Comment: Variant summary: TAP1 c.437C>T (p.Ala146Val) results in a non-conservative amino acid change in the encoded protein sequence. Three of four in-silico tools predict a benign effect of the variant on protein function. The variant allele was found at a frequency of 0.0011 in 243084 control chromosomes, predominantly at a frequency of 0.0079 within the Latino subpopulation in the gnomAD database, including 2 homozygotes. The observed variant frequency within Latino control individuals in the gnomAD database exceeds the estimated maximal expected allele frequency for a pathogenic variant in TAP1 causing MHC Class I Deficiency phenotype. To our knowledge, no occurrence of c.437C>T in individuals affected with MHC Class I Deficiency and no experimental evidence demonstrating its impact on protein function have been reported. ClinVar contains an entry for this variant (Variation ID: 771394). Based on the evidence outlined above, the variant was classified as likely benign.

Fulgent Genetics
Classification: Likely benign for MHC class I deficiency 1. Last evaluated: 2022-03-28. Review status: criteria provided, single submitter. Criteria: ACMG Guidelines, 2015. Collection method: clinical testing. Allele origin: unknown.

NM_000593.6(TAP1):c.437C>T (p.Ala146Val)

Gene: TAP1 (transporter 1, ATP binding cassette subfamily B member; minus strand). Cytogenetic location: 6p21.32.
Variant type: single nucleotide variant.
Coding change: c.437C>T on transcript NM_000593.6 (MANE Select); coding-DNA position 437, C replaced by T.
Protein change: p.Ala146Val; replaces alanine 146 with valine.
Molecular consequence: missense variant.
Genome position (GRCh38, 1-based): chr6:32,853,200, G>A on the plus strand (C>T on the coding strand, the complement: TAP1 is on the minus strand). VCF-style: chr6-32853200-G-A. GRCh37 (hg19) VCF-style: chr6-32820977-G-A.
Other names: short protein forms A206V, A146V.
Identifiers: ClinVar variation 771394 (VCV000771394.13), dbSNP rs144830209, ClinGen allele CA3747019.